The following is an entry in ClinVar:

NM_002519.3(NPAT):c.2432A>G (p.Glu811Gly)

Gene: NPAT (nuclear protein, coactivator of histone transcription; minus strand). Cytogenetic location: 11q22.3.
Variant type: single nucleotide variant.
Coding change: c.2432A>G on transcript NM_002519.3 (MANE Select); coding-DNA position 2432, A replaced by G.
Protein change: p.Glu811Gly; replaces glutamic acid 811 with glycine.
Molecular consequence: missense variant.
Genome position (GRCh38, 1-based): chr11:108,172,552, T>C on the plus strand (A>G on the coding strand, the complement: NPAT is on the minus strand). VCF-style: chr11-108172552-T-C. GRCh37 (hg19) VCF-style: chr11-108043279-T-C.
Other names: c.2432A>G, p.Glu811Gly (NM_001321307.1); short protein forms E811G.
Identifiers: ClinVar variation 1791178 (VCV001791178.2), dbSNP rs2496717259, ClinGen allele CA382512997.
Genomic context (GRCh38, chr11:108,172,552, plus strand): 5'-TCTTCATTCTGAGTATTGTTTACTGCAGAGTCTTCAGATTTGAATGTTAAAAGACTCTGT[T>C]CCATTGAGGCTGAATCCCCTACTTCGGCATATACAACAGCACCTACAGTTTCTTCTGAAG-3'
Protein context (NP_002510.2, residues 801-821): YAEVGDSASM[Glu811Gly]QSLLTFKSED

ClinVar aggregate classification (germline): Uncertain significance (1 of 4 stars; one submission).

Submission:

Ambry Genetics
Classification: Uncertain significance. Last evaluated: 2022-05-06. Review status: criteria provided, single submitter. Criteria: Ambry Variant Classification Scheme 2023. Collection method: clinical testing. Allele origin: germline.
Comment: The p.E811G variant (also known as c.2432A>G), located in coding exon 13 of the NPAT gene, results from an A to G substitution at nucleotide position 2432. The glutamic acid at codon 811 is replaced by glycine, an amino acid with similar properties. This amino acid position is conserved. In addition, this alteration is predicted to be tolerated by in silico analysis. Since supporting evidence is limited at this time, the clinical significance of this alteration remains unclear.